The following is an entry in ClinVar:

ClinVar aggregate classification (germline): Conflicting classifications of pathogenicity. Review status: criteria provided, conflicting classifications (1 of 4 stars). 2 submissions from 2 submitters: Uncertain significance (1); Likely benign (1). Last evaluated 2025-10-21.

Conditions:
Griscelli syndrome type 2 (GS2). Also called: GRISCELLI SYNDROME WITH HEMOPHAGOCYTIC SYNDROME; PAID SYNDROME; PARTIAL ALBINISM AND IMMUNODEFICIENCY SYNDROME. Identifiers: Orphanet 381, Orphanet 79477, MedGen C1868679, MONDO:0011872, OMIM 607624.
Inborn genetic diseases. Identifiers: MedGen C0950123, MeSH D030342.

Allele frequency attached by ClinVar (database versions not stated): ExAC 0.00002; TOPMed 0.00002; gnomAD 0.00003 and 0.00004; gnomAD exomes 0.00003 and 0.00005; ESP Exome Variant Server 0.00008.
gnomAD v4.1: 49 of 1,613,982 alleles (0.003%); highest among the groups gnomAD compares: Admixed American, 0.018%; no homozygotes.

Submissions (2):

Labcorp Genetics (formerly Invitae), Labcorp
Classification: Uncertain significance for Griscelli syndrome type 2. Last evaluated: 2025-10-21. Review status: criteria provided, single submitter. Criteria: Invitae Variant Classification Sherloc (09022015). Collection method: clinical testing. Allele origin: germline.
Comment: This sequence change replaces threonine, which is neutral and polar, with methionine, which is neutral and non-polar, at codon 207 of the RAB27A protein (p.Thr207Met). This variant is present in population databases (rs151048993, gnomAD 0.01%). This variant has not been reported in the literature in individuals affected with RAB27A-related conditions. ClinVar contains an entry for this variant (Variation ID: 574733). Invitae Evidence Modeling of protein sequence and biophysical properties (such as structural, functional, and spatial information, amino acid conservation, physicochemical variation, residue mobility, and thermodynamic stability) indicates that this missense variant is not expected to disrupt RAB27A protein function with a negative predictive value of 95%. In summary, the available evidence is currently insufficient to determine the role of this variant in disease. Therefore, it has been classified as a Variant of Uncertain Significance.

Ambry Genetics
Classification: Likely benign for Inborn genetic diseases. Last evaluated: 2024-08-20. Review status: criteria provided, single submitter. Criteria: Ambry Variant Classification Scheme 2023. Collection method: clinical testing. Allele origin: germline.

NM_183235.3(RAB27A):c.620C>T (p.Thr207Met)

Gene: RAB27A (RAB27A, member RAS oncogene family; minus strand). Cytogenetic location: 15q21.3.
Variant type: single nucleotide variant.
Coding change: c.620C>T on transcript NM_183235.3 (MANE Select); coding-DNA position 620, C replaced by T.
Protein change: p.Thr207Met; replaces threonine 207 with methionine.
Molecular consequence: missense variant.
Genome position (GRCh38, 1-based): chr15:55,205,553, G>A on the plus strand (C>T on the coding strand, the complement: RAB27A is on the minus strand). VCF-style: chr15-55205553-G-A. GRCh37 (hg19) VCF-style: chr15-55497751-G-A.
Other names: c.620C>T, p.Thr207Met (NM_004580.5, NM_183234.3, NM_183236.3); short protein forms T207M.
Identifiers: ClinVar variation 574733 (VCV000574733.10), dbSNP rs151048993, ClinGen allele CA7573519.